The following is an entry in ClinVar:

NM_006087.4(TUBB4A):c.816C>A (p.Pro272=)

Gene: TUBB4A (tubulin beta 4A class IVa; minus strand). Cytogenetic location: 19p13.3.
Variant type: single nucleotide variant.
Coding change: c.816C>A on transcript NM_006087.4 (MANE Select); coding-DNA position 816, C replaced by A.
Protein change: p.Pro272=; no amino-acid change (proline 272 retained).
Molecular consequence: synonymous variant.
Genome position (GRCh38, 1-based): chr19:6,495,683, G>T on the plus strand (C>A on the coding strand, the complement: TUBB4A is on the minus strand). VCF-style: chr19-6495683-G-T. GRCh37 (hg19) VCF-style: chr19-6495694-G-T.
Other names: p.Pro272=; c.969C>A, p.Pro323= (NM_001289123.2); c.951C>A, p.Pro317= (NM_001289127.2); c.816C>A, p.Pro272= (NM_001289129.2); c.600C>A, p.Pro200= (NM_001289130.2, NM_001289131.2).
Identifiers: ClinVar variation 1621791 (VCV001621791.41), dbSNP rs370829427, ClinGen allele CA9127319.

ClinVar aggregate classification (germline): Likely benign. Review status: criteria provided, multiple submitters, no conflicts (2 of 4 stars). 4 submissions from 4 submitters: Likely benign (4). Last evaluated 2025-09-06.

Conditions:
Leukodystrophy, hypomyelinating, 6. Also called: LEUKODYSTROPHY, HYPOMYELINATING, WITH ATROPHY OF THE BASAL GANGLIA AND CEREBELLUM; TUBB4A-Associated Leukodystrophy; Hypomyelination with Atrophy of Basal Ganglia and Cerebellum (H-ABC). Identifiers: Orphanet 139441, MedGen C2676244, MONDO:0012905, OMIM 612438.

Allele frequency attached by ClinVar (database versions not stated): ExAC 0.00008; TOPMed 0.00011; gnomAD 0.00013 and 0.00014; ESP Exome Variant Server 0.00015.
gnomAD v4.1: 334 of 1,613,954 alleles (0.021%); highest among the groups gnomAD compares: Non-Finnish European, 0.027%; no homozygotes.

Submissions (4):

Mayo Clinic Laboratories, Mayo Clinic
Classification: Likely benign. Last evaluated: 2025-09-06. Review status: criteria provided, single submitter. Criteria: ACMG Guidelines, 2015. Collection method: clinical testing. Allele origin: germline. Observed: 1 variant allele.
Comment: BS2, BP4, BP7

Blueprint Genetics
Classification: Likely benign. Last evaluated: 2024-11-20. Review status: criteria provided, single submitter. Criteria: ACMG Guidelines, 2015. Collection method: clinical testing. Allele origin: germline.

CeGaT Center for Human Genetics Tuebingen
Classification: Likely benign. Last evaluated: 2024-02-01. Review status: criteria provided, single submitter. Criteria: CeGaT Center For Human Genetics Tuebingen Variant Classification Criteria Version 2. Collection method: clinical testing. Allele origin: germline. Affected: yes. Observed: 2 variant alleles.
Comment: TUBB4A: BP4, BP7

Labcorp Genetics (formerly Invitae), Labcorp
Classification: Likely benign for Leukodystrophy, hypomyelinating, 6. Last evaluated: 2023-07-19. Review status: criteria provided, single submitter. Criteria: Invitae Variant Classification Sherloc (09022015). Collection method: clinical testing. Allele origin: germline.